The following is an entry in ClinVar:

NM_000512.5(GALNS):c.364C>T (p.Gln122Ter)

Gene: GALNS (galactosamine (N-acetyl)-6-sulfatase; minus strand). Cytogenetic location: 16q24.3.
Variant type: single nucleotide variant.
Coding change: c.364C>T on transcript NM_000512.5 (MANE Select); coding-DNA position 364, C replaced by T.
Protein change: p.Gln122Ter; replaces glutamine 122 with a stop codon.
Molecular consequence: nonsense. On other transcripts: 5 prime UTR variant (1).
Genome position (GRCh38, 1-based): chr16:88,841,050, G>A on the plus strand (C>T on the coding strand, the complement: GALNS is on the minus strand). VCF-style: chr16-88841050-G-A. GRCh37 (hg19) VCF-style: chr16-88907458-G-A.
Other names: c.-192C>T (NM_001323543.2); c.382C>T, p.Gln128Ter (NM_001323544.2); short protein forms Q122*, Q128*.
Identifiers: ClinVar variation 2723687 (VCV002723687.3), dbSNP rs376268211, ClinGen allele CA286406066.

ClinVar aggregate classification (germline): Pathogenic (1 of 4 stars; one submission).

Conditions:
Mucopolysaccharidosis, MPS-IV-A (MPS4A). Also called: Morquio syndrome A, mild; MORQUIO SYNDROME A; GALACTOSAMINE-6-SULFATASE DEFICIENCY; GALNS DEFICIENCY; MORQUIO A DISEASE; mucopolysaccharidosis type 4A. Identifiers: Orphanet 309297, Orphanet 582, MedGen C0086651, MONDO:0009659, OMIM 253000.

Allele frequency attached by ClinVar (database versions not stated): gnomAD 0.00001; ESP Exome Variant Server 0.00008.
gnomAD v4.1: 2 of 1,613,156 alleles (0.00012%); highest among the groups gnomAD compares: African/African-American, 0.0027%; no homozygotes.

Submission:

Labcorp Genetics (formerly Invitae), Labcorp
Classification: Pathogenic for Mucopolysaccharidosis, MPS-IV-A. Last evaluated: 2023-09-15. Review status: criteria provided, single submitter. Criteria: Invitae Variant Classification Sherloc (09022015). Collection method: clinical testing. Allele origin: germline.
Comment: This sequence change creates a premature translational stop signal (p.Gln122*) in the GALNS gene. It is expected to result in an absent or disrupted protein product. Loss-of-function variants in GALNS are known to be pathogenic (PMID: 12442278). This variant is not present in population databases (gnomAD no frequency). This variant has not been reported in the literature in individuals affected with GALNS-related conditions. For these reasons, this variant has been classified as Pathogenic.

Literature cited by the submitters: PubMed 12442278.